The following is an entry in ClinVar:

NM_004628.5(XPC):c.*133G>A

Gene: XPC (XPC complex subunit, DNA damage recognition and repair factor; minus strand). Cytogenetic location: 3p25.1.
Variant type: single nucleotide variant.
Coding change: c.*133G>A on transcript NM_004628.5 (MANE Select); 133 bases downstream of the stop codon, G replaced by A.
Molecular consequence: 3 prime UTR variant. On other transcripts: non-coding transcript variant (2).
Genome position (GRCh38, 1-based): chr3:14,145,808, C>T on the plus strand (G>A on the coding strand, the complement: XPC is on the minus strand). VCF-style: chr3-14145808-C-T. GRCh37 (hg19) VCF-style: chr3-14187308-C-T.
Other names: c.*133G>A (NM_001354726.2, NM_001354727.2, NM_001354729.2 and 1 more transcripts).
Identifiers: ClinVar variation 343559 (VCV000343559.6), dbSNP rs377250919, ClinGen allele CA2266991.
Genomic context (GRCh38, chr3:14,145,808, plus strand): 5'-GAGCCAGACGGGACCTGCAGCACCTCCTCAGCTTGGCCTCGTCTCCCCTGACCCCGCCTC[C>T]GTGCATGCTGCCTCAGTTTGCCTTCTCAGCAGAGAAGCCCCCACCACCAGGGGCTGGGCA-3'

ClinVar aggregate classification (germline): Benign (1 of 4 stars; one submission).

Conditions:
Xeroderma pigmentosum, group C (XPC). Also called: Xeroderma pigmentosum, complementation group C; XERODERMA PIGMENTOSUM III; XP, GROUP C; XPC-Related Xeroderma Pigmentosum. Identifiers: Orphanet 910, MedGen C2752147, MONDO:0010211, OMIM 278720.

Allele frequency attached by ClinVar (database versions not stated): gnomAD 0.00004 and 0.00054; TOPMed 0.00014; gnomAD exomes 0.00224; 1000 Genomes Project 30x 0.00500; 1000 Genomes Project 0.00619; ExAC 0.00900.
gnomAD v4.1: 1,145 of 1,145,242 alleles (0.1%); highest among the groups gnomAD compares: South Asian, 1.4%; 17 homozygotes.

Submission:

Illumina Laboratory Services, Illumina
Classification: Benign for Xeroderma pigmentosum, group C. Last evaluated: 2018-01-13. Review status: criteria provided, single submitter. Criteria: ICSL Variant Classification Criteria 13 December 2019. Collection method: clinical testing. Allele origin: germline.
Comment: This variant was observed in the ICSL laboratory as part of a predisposition screen in an ostensibly healthy population. It had not been previously curated by ICSL or reported in the Human Gene Mutation Database (HGMD: prior to June 1st, 2018), and was therefore a candidate for classification through an automated scoring system. Utilizing variant allele frequency, disease prevalence and penetrance estimates, and inheritance mode, an automated score was calculated to assess if this variant is too frequent to cause the disease. Based on the score and internal cut-off values, a variant classified as benign is not then subjected to further curation. The score for this variant resulted in a classification of benign for this disease.